The following is an entry in ClinVar:

NM_000170.3(GLDC):c.2920-1G>C

Gene: GLDC (glycine decarboxylase; minus strand). Cytogenetic location: 9p24.1.
Variant type: single nucleotide variant.
Coding change: c.2920-1G>C on transcript NM_000170.3 (MANE Select); the canonical splice acceptor site of the intron before coding-DNA position 2920, G replaced by C.
Molecular consequence: splice acceptor variant.
Genome position (GRCh38, 1-based): chr9:6,533,161, C>G on the plus strand (G>C on the coding strand, the complement: GLDC is on the minus strand). VCF-style: chr9-6533161-C-G. GRCh37 (hg19) VCF-style: chr9-6533161-C-G.
Identifiers: ClinVar variation 934676 (VCV000934676.5), dbSNP rs1474611877, ClinGen allele CA372881791.
Genomic context (GRCh38, chr9:6,533,161, plus strand): 5'-ATATATGTCATCAATCCGGGCAATCGTTGGCCAGAATTTGTTCTCTGGTTTCACGAAGGG[C>G]TGCAAAGGACAAAAGATGGAAATGCTGTGAGATGTTCTGGGAGGTTTCTCTTAGGGCAAA-3'

ClinVar aggregate classification (germline): Uncertain significance (1 of 4 stars; one submission).

Conditions:
Glycine encephalopathy. Also called: Nonketotic hyperglycinemia; Non-ketotic hyperglycinemia. Identifiers: Orphanet 407, MedGen C0751748, MONDO:0011612, HP:0008288.

Submission:

Labcorp Genetics (formerly Invitae), Labcorp
Classification: Uncertain significance for Glycine encephalopathy. Last evaluated: 2019-08-23. Review status: criteria provided, single submitter. Criteria: Invitae Variant Classification Sherloc (09022015). Collection method: clinical testing. Allele origin: germline.
Comment: This sequence change affects an acceptor splice site in the last intron (intron 24) of the GLDC gene. While this is not anticipated to result in nonsense mediated decay, it likely alters RNA splicing and results in a disrupted protein product. This variant is not present in population databases (ExAC no frequency). This variant has not been reported in the literature in individuals with GLDC-related conditions. Nucleotide substitutions within the consensus splice site are a relatively common cause of aberrant splicing (PMID: 17576681, 9536098). Algorithms developed to predict the effect of sequence changes on RNA splicing suggest that this variant may disrupt the consensus splice site, but this prediction has not been confirmed by published transcriptional studies. In summary, the available evidence is currently insufficient to determine the role of this variant in disease. Therefore, it has been classified as a Variant of Uncertain Significance.

Literature cited by the submitters: PubMed 17576681; PubMed 9536098.